The following is an entry in ClinVar:

NM_001042492.3(NF1):c.2662G>C (p.Asp888His)

Gene: NF1 (neurofibromin 1; plus strand). Cytogenetic location: 17q11.2.
Variant type: single nucleotide variant.
Coding change: c.2662G>C on transcript NM_001042492.3 (MANE Select); coding-DNA position 2662, G replaced by C.
Protein change: p.Asp888His; replaces aspartic acid 888 with histidine.
Molecular consequence: missense variant.
Genome position (GRCh38, 1-based): chr17:31,229,277, G>C. VCF-style: chr17-31229277-G-C. GRCh37 (hg19) VCF-style: chr17-29556295-G-C.
Other names: c.2662G>C, p.Asp888His (NM_000267.4); short protein forms D888H.
Identifiers: ClinVar variation 2847552 (VCV002847552.3), dbSNP rs1597715567, ClinGen allele CA398984798.

ClinVar aggregate classification (germline): Uncertain significance (1 of 4 stars; one submission).

Conditions:
Neurofibromatosis, type 1 (NF1). Also called: Neurofibromatosis, type I; VON RECKLINGHAUSEN DISEASE; NEUROFIBROMATOSIS, TYPE I, SOMATIC; Peripheral type neurofibromatosis. Identifiers: Orphanet 636, MedGen C0027831, MONDO:0018975, OMIM 162200. Disease mechanism: loss of function.

Submission:

Labcorp Genetics (formerly Invitae), Labcorp
Classification: Uncertain significance for Neurofibromatosis, type 1. Last evaluated: 2023-04-19. Review status: criteria provided, single submitter. Criteria: Invitae Variant Classification Sherloc (09022015). Collection method: clinical testing. Allele origin: germline.
Comment: In summary, the available evidence is currently insufficient to determine the role of this variant in disease. Therefore, it has been classified as a Variant of Uncertain Significance. Advanced modeling of protein sequence and biophysical properties (such as structural, functional, and spatial information, amino acid conservation, physicochemical variation, residue mobility, and thermodynamic stability) has been performed at Invitae for this missense variant, however the output from this modeling did not meet the statistical confidence thresholds required to predict the impact of this variant on NF1 protein function. This sequence change replaces aspartic acid, which is acidic and polar, with histidine, which is basic and polar, at codon 888 of the NF1 protein (p.Asp888His). This variant is not present in population databases (gnomAD no frequency). This variant has not been reported in the literature in individuals affected with NF1-related conditions.